The following is an entry in ClinVar:

NM_000238.4(KCNH2):c.131G>A (p.Cys44Tyr)

Gene: KCNH2 (potassium voltage-gated channel subfamily H member 2; minus strand). Cytogenetic location: 7q36.1.
Variant type: single nucleotide variant.
Coding change: c.131G>A on transcript NM_000238.4 (MANE Select); coding-DNA position 131, G replaced by A.
Protein change: p.Cys44Tyr; replaces cysteine 44 with tyrosine.
Molecular consequence: missense variant.
Genome position (GRCh38, 1-based): chr7:150,974,887, C>T on the plus strand (G>A on the coding strand, the complement: KCNH2 is on the minus strand). VCF-style: chr7-150974887-C-T. GRCh37 (hg19) VCF-style: chr7-150671975-C-T.
Other names: c.-47G>A (NM_001406755.1); c.131G>A, p.Cys44Tyr (NM_172056.3); short protein forms C44Y.
Identifiers: ClinVar variation 1214199 (VCV001214199.8), dbSNP rs199473489, ClinGen allele CA369865856.

ClinVar aggregate classification (germline): Conflicting classifications of pathogenicity. Review status: criteria provided, conflicting classifications (1 of 4 stars). 2 submissions from 2 submitters: Likely pathogenic (1); Uncertain significance (1). Last evaluated 2023-04-28.

Conditions:
Long QT syndrome (LQTS). Identifiers: MedGen C0023976, MeSH D008133, MONDO:0002442. Disease mechanism: loss of function. Inheritance: Various modes of inheritance.

Submissions (2):

Labcorp Genetics (formerly Invitae), Labcorp
Classification: Uncertain significance for Long QT syndrome. Last evaluated: 2023-04-28. Review status: criteria provided, single submitter. Criteria: Invitae Variant Classification Sherloc (09022015). Collection method: clinical testing. Allele origin: germline.
Comment: ClinVar contains an entry for this variant (Variation ID: 1214199). This missense change has been observed in individual(s) with clinical features of long QT syndrome (PMID: 23631430; Invitae). This variant is not present in population databases (gnomAD no frequency). This sequence change replaces cysteine, which is neutral and slightly polar, with tyrosine, which is neutral and polar, at codon 44 of the KCNH2 protein (p.Cys44Tyr). In summary, the available evidence is currently insufficient to determine the role of this variant in disease. Therefore, it has been classified as a Variant of Uncertain Significance. This variant disrupts the p.Cys44 amino acid residue in KCNH2. Other variant(s) that disrupt this residue have been observed in individuals with KCNH2-related conditions (PMID: 27816319; Invitae), which suggests that this may be a clinically significant amino acid residue. Experimental studies have shown that this missense change affects KCNH2 function (PMID: 35688148). An algorithm developed to predict the effect of missense changes on protein structure and function (PolyPhen-2) suggests that this variant is likely to be disruptive.

GeneDx
Classification: Likely pathogenic. Last evaluated: 2021-07-23. Review status: criteria provided, single submitter. Criteria: GeneDx Variant Classification Process June 2021. Collection method: clinical testing. Allele origin: germline. Affected: yes.
Comment: Not observed in large population cohorts (Lek et al., 2016); In silico analysis supports that this missense variant has a deleterious effect on protein structure/function This variant is associated with the following publications: (PMID: 23631430)

Literature cited by the submitters: PubMed 23631430 (cited by Labcorp Genetics (formerly Invitae), Labcorp); PubMed 27816319 (cited by Labcorp Genetics (formerly Invitae), Labcorp); PubMed 35688148 (cited by Labcorp Genetics (formerly Invitae), Labcorp).